The following is an entry in ClinVar:

ClinVar aggregate classification (germline): Uncertain significance (1 of 4 stars; one submission).

Submission:

Labcorp Genetics (formerly Invitae), Labcorp
Classification: Uncertain significance. Last evaluated: 2025-03-04. Review status: criteria provided, single submitter. Criteria: Invitae Variant Classification Sherloc (09022015). Collection method: clinical testing. Allele origin: germline.
Comment: This sequence change replaces leucine, which is neutral and non-polar, with valine, which is neutral and non-polar, at codon 830 of the ITPR1 protein (p.Leu830Val). This variant is not present in population databases (gnomAD no frequency). This variant has not been reported in the literature in individuals affected with ITPR1-related conditions. Invitae Evidence Modeling of protein sequence and biophysical properties (such as structural, functional, and spatial information, amino acid conservation, physicochemical variation, residue mobility, and thermodynamic stability) indicates that this missense variant is expected to disrupt ITPR1 protein function with a positive predictive value of 80%. In summary, the available evidence is currently insufficient to determine the role of this variant in disease. Therefore, it has been classified as a Variant of Uncertain Significance.

NM_001378452.1(ITPR1):c.2533T>G (p.Leu845Val)

Gene: ITPR1 (inositol 1,4,5-trisphosphate receptor type 1; plus strand). Cytogenetic location: 3p26.1.
Variant type: single nucleotide variant.
Coding change: c.2533T>G on transcript NM_001378452.1 (MANE Select); coding-DNA position 2533, T replaced by G.
Protein change: p.Leu845Val; replaces leucine 845 with valine.
Molecular consequence: missense variant.
Genome position (GRCh38, 1-based): chr3:4,674,278, T>G. VCF-style: chr3-4674278-T-G. GRCh37 (hg19) VCF-style: chr3-4715962-T-G.
Other names: c.2533T>G, p.Leu845Val (NM_001099952.4); c.2488T>G, p.Leu830Val (NM_001168272.2, NM_002222.7); short protein forms L845V, L830V.
Identifiers: ClinVar variation 4746325 (VCV004746325.1).
Genomic context (GRCh38, chr3:4,674,278, plus strand): 5'-GCTTCCAAAGATGAAATTAAGGAGAGATTTGCTCAGACCATGGAGTTTGTGGAGGAGTAT[T>G]TAAGAGATGTGGTTTGTCAGAGGTTCCCTTTCTCTGATAAAGAGAAGAATAAGCTTACGT-3'
Protein context (NP_001365381.1, residues 835-855): AQTMEFVEEY[Leu845Val]RDVVCQRFPF